The following is an entry in ClinVar:

ClinVar aggregate classification (germline): Uncertain significance (1 of 4 stars; one submission).

Allele frequency attached by ClinVar (database versions not stated): gnomAD exomes below 0.00001; TOPMed 0.00002; gnomAD 0.00003.
gnomAD v4.1: 7 of 1,613,064 alleles (0.00043%); highest among the groups gnomAD compares: African/African-American, 0.0067%; no homozygotes.

Submission:

Labcorp Genetics (formerly Invitae), Labcorp
Classification: Uncertain significance. Last evaluated: 2024-11-18. Review status: criteria provided, single submitter. Criteria: Invitae Variant Classification Sherloc (09022015). Collection method: clinical testing. Allele origin: germline.
Comment: This sequence change replaces threonine, which is neutral and polar, with isoleucine, which is neutral and non-polar, at codon 564 of the TONSL protein (p.Thr564Ile). This variant is not present in population databases (gnomAD no frequency). This variant has not been reported in the literature in individuals affected with TONSL-related conditions. ClinVar contains an entry for this variant (Variation ID: 2176683). Invitae Evidence Modeling of protein sequence and biophysical properties (such as structural, functional, and spatial information, amino acid conservation, physicochemical variation, residue mobility, and thermodynamic stability) indicates that this missense variant is expected to disrupt TONSL protein function with a positive predictive value of 80%. In summary, the available evidence is currently insufficient to determine the role of this variant in disease. Therefore, it has been classified as a Variant of Uncertain Significance.

NM_013432.5(TONSL):c.1691C>T (p.Thr564Ile)

Genes: TONSL (tonsoku like, DNA repair protein; minus strand), TONSL-AS1 (TONSL antisense RNA 1; plus strand). Cytogenetic location: 8q24.3.
Variant type: single nucleotide variant.
Coding change: c.1691C>T on transcript NM_013432.5 (MANE Select); coding-DNA position 1691, C replaced by T.
Protein change: p.Thr564Ile; replaces threonine 564 with isoleucine.
Molecular consequence: missense variant.
Genome position (GRCh38, 1-based): chr8:144,437,062, G>A on the plus strand (C>T on the coding strand, the complement: TONSL is on the minus strand). VCF-style: chr8-144437062-G-A. GRCh37 (hg19) VCF-style: chr8-145662445-G-A.
Other names: short protein forms T564I.
Identifiers: ClinVar variation 2176683 (VCV002176683.3), dbSNP rs887137545, ClinGen allele CA187671134.